The following is an entry in ClinVar:

NM_022489.4(INF2):c.1564C>T (p.Leu522=)

Gene: INF2 (inverted formin 2; plus strand). Cytogenetic location: 14q32.33.
Variant type: single nucleotide variant.
Coding change: c.1564C>T on transcript NM_022489.4 (MANE Select); coding-DNA position 1564, C replaced by T.
Protein change: p.Leu522=; no amino-acid change (leucine 522 retained).
Molecular consequence: synonymous variant.
Genome position (GRCh38, 1-based): chr14:104,707,831, C>T. VCF-style: chr14-104707831-C-T. GRCh37 (hg19) VCF-style: chr14-105174168-C-T.
Other names: c.1564C>T, p.Leu522= (NM_001031714.4); c.1564C>T (NM_022489.3).
Identifiers: ClinVar variation 1584545 (VCV001584545.10), dbSNP rs369895163, ClinGen allele CA7372591.

ClinVar aggregate classification (germline): Likely benign. Review status: criteria provided, multiple submitters, no conflicts (2 of 4 stars). 3 submissions from 3 submitters: Likely benign (3). Last evaluated 2026-05-19.

Conditions:
Focal segmental glomerulosclerosis 5 (FSGS5). Identifiers: Orphanet 656, MedGen C2750475, MONDO:0013191, OMIM 613237.
Charcot-Marie-Tooth disease dominant intermediate E. Also called: CHARCOT-MARIE-TOOTH NEUROPATHY WITH FOCAL SEGMENTAL GLOMERULONEPHRITIS. Identifiers: Orphanet 93114, MedGen C4302667, MONDO:0013758, OMIM 614455.
INF2-related disorder. Also called: INF2-related condition.

Allele frequency attached by ClinVar (database versions not stated): gnomAD exomes 0.00002; ExAC 0.00008; ESP Exome Variant Server 0.00017.
gnomAD v4.1: 11 of 1,585,216 alleles (0.00069%); highest among the groups gnomAD compares: Non-Finnish European, 0.00086%; no homozygotes.

Submissions (3):

PreventionGenetics, part of Exact Sciences
Classification: Likely benign for INF2-related condition. Last evaluated: 2026-05-19. Review status: criteria provided, single submitter. Criteria: ACMG Guidelines, 2015. Collection method: clinical testing. Allele origin: germline.
Comment: This variant is classified as likely benign based on ACMG/AMP sequence variant interpretation guidelines (Richards et al. 2015 PMID: 25741868, with internal and published modifications).

Labcorp Genetics (formerly Invitae), Labcorp
Classification: Likely benign for Charcot-Marie-Tooth disease dominant intermediate E; Focal segmental glomerulosclerosis 5. Last evaluated: 2025-11-27. Review status: criteria provided, single submitter. Criteria: Invitae Variant Classification Sherloc (09022015). Collection method: clinical testing. Allele origin: germline.

Blueprint Genetics
Classification: Likely benign. Last evaluated: 2024-05-29. Review status: criteria provided, single submitter. Criteria: ACMG Guidelines, 2015. Collection method: clinical testing. Allele origin: germline.